The following is an entry in ClinVar:

NM_001282531.3(ADNP):c.3283G>A (p.Val1095Ile)

Gene: ADNP (activity dependent neuroprotector homeobox; minus strand). Cytogenetic location: 20q13.13.
Variant type: single nucleotide variant.
Coding change: c.3283G>A on transcript NM_001282531.3 (MANE Select); coding-DNA position 3283, G replaced by A.
Protein change: p.Val1095Ile; replaces valine 1095 with isoleucine.
Molecular consequence: missense variant.
Genome position (GRCh38, 1-based): chr20:50,891,431, C>T on the plus strand (G>A on the coding strand, the complement: ADNP is on the minus strand). VCF-style: chr20-50891431-C-T. GRCh37 (hg19) VCF-style: chr20-49507968-C-T.
Other names: c.3283G>A, p.Val1095Ile (NM_001282532.2, NM_001347511.2, NM_015339.5 and 1 more transcripts); short protein forms V1095I.
Identifiers: ClinVar variation 3625167 (VCV003625167.2).

ClinVar aggregate classification (germline): Uncertain significance (1 of 4 stars; one submission).

gnomAD v4.1: 10 of 1,610,232 alleles (0.00062%); highest among the groups gnomAD compares: East Asian, 0.02%; no homozygotes.

Submission:

Labcorp Genetics (formerly Invitae), Labcorp
Classification: Uncertain significance. Last evaluated: 2024-11-12. Review status: criteria provided, single submitter. Criteria: Invitae Variant Classification Sherloc (09022015). Collection method: clinical testing. Allele origin: germline.
Comment: This sequence change replaces valine, which is neutral and non-polar, with isoleucine, which is neutral and non-polar, at codon 1095 of the ADNP protein (p.Val1095Ile). This variant is not present in population databases (gnomAD no frequency). This variant has not been reported in the literature in individuals affected with ADNP-related conditions. An algorithm developed to predict the effect of missense changes on protein structure and function (PolyPhen-2) suggests that this variant is likely to be disruptive. In summary, the available evidence is currently insufficient to determine the role of this variant in disease. Therefore, it has been classified as a Variant of Uncertain Significance.